The following is an entry in ClinVar:

ClinVar aggregate classification (germline): Uncertain significance. Review status: criteria provided, multiple submitters, no conflicts (2 of 4 stars). 3 submissions from 3 submitters: Uncertain significance (3). Last evaluated 2024-10-30.

Allele frequency attached by ClinVar (database versions not stated): ExAC 0.00001; gnomAD 0.00001; gnomAD exomes 0.00002; TOPMed 0.00002.
gnomAD v4.1: 23 of 1,613,614 alleles (0.0014%); highest among the groups gnomAD compares: Admixed American, 0.017%; no homozygotes.

Submissions (3):

Labcorp Genetics (formerly Invitae), Labcorp
Classification: Uncertain significance. Last evaluated: 2024-10-30. Review status: criteria provided, single submitter. Criteria: Invitae Variant Classification Sherloc (09022015). Collection method: clinical testing. Allele origin: germline.
Comment: This sequence change replaces tyrosine, which is neutral and polar, with cysteine, which is neutral and slightly polar, at codon 372 of the RASGRP1 protein (p.Tyr372Cys). This variant is present in population databases (no rsID available, gnomAD 0.02%). This variant has not been reported in the literature in individuals affected with RASGRP1-related conditions. ClinVar contains an entry for this variant (Variation ID: 2058550). Invitae Evidence Modeling of protein sequence and biophysical properties (such as structural, functional, and spatial information, amino acid conservation, physicochemical variation, residue mobility, and thermodynamic stability) indicates that this missense variant is expected to disrupt RASGRP1 protein function with a positive predictive value of 80%. In summary, the available evidence is currently insufficient to determine the role of this variant in disease. Therefore, it has been classified as a Variant of Uncertain Significance.

Ambry Genetics
Classification: Uncertain significance. Last evaluated: 2024-01-23. Review status: criteria provided, single submitter. Criteria: Ambry Variant Classification Scheme 2023. Collection method: clinical testing. Allele origin: germline.

Blueprint Genetics
Classification: Uncertain significance. Last evaluated: 2023-02-20. Review status: criteria provided, single submitter. Criteria: ACMG Guidelines, 2015. Collection method: clinical testing. Allele origin: germline.

NM_005739.4(RASGRP1):c.1115A>G (p.Tyr372Cys)

Gene: RASGRP1 (RAS guanyl releasing protein 1; minus strand). Cytogenetic location: 15q14.
Variant type: single nucleotide variant.
Coding change: c.1115A>G on transcript NM_005739.4 (MANE Select); coding-DNA position 1115, A replaced by G.
Protein change: p.Tyr372Cys; replaces tyrosine 372 with cysteine.
Molecular consequence: missense variant.
Genome position (GRCh38, 1-based): chr15:38,507,853, T>C on the plus strand (A>G on the coding strand, the complement: RASGRP1 is on the minus strand). VCF-style: chr15-38507853-T-C. GRCh37 (hg19) VCF-style: chr15-38800054-T-C.
Other names: c.1115A>G (NM_005739.3); c.1115A>G, p.Tyr372Cys (NM_001128602.2, NM_001306086.2); short protein forms Y372C.
Identifiers: ClinVar variation 2058550 (VCV002058550.5), dbSNP rs1454294069, ClinGen allele CA7470960.